The following is an entry in ClinVar:

NM_001006658.3(CR2):c.2518C>G (p.Arg840Gly)

Gene: CR2 (complement C3d receptor 2; plus strand). Cytogenetic location: 1q32.2.
Variant type: single nucleotide variant.
Coding change: c.2518C>G on transcript NM_001006658.3 (MANE Select); coding-DNA position 2518, C replaced by G.
Protein change: p.Arg840Gly; replaces arginine 840 with glycine.
Molecular consequence: missense variant.
Genome position (GRCh38, 1-based): chr1:207,475,018, C>G. VCF-style: chr1-207475018-C-G. GRCh37 (hg19) VCF-style: chr1-207648363-C-G.
Other names: c.2341C>G, p.Arg781Gly (NM_001877.5); short protein forms R781G, R840G.
Identifiers: ClinVar variation 957001 (VCV000957001.10), dbSNP rs766671758, ClinGen allele CA344538447.
Genomic context (GRCh38, chr1:207,475,018, plus strand): 5'-CAGTGCAGAAGTGATTCTAAAGGACATGGATCTTGGAGCGGGCCTTCCCCACAGTGCTTA[C>G]GATCTCCTCCTGTGACTCGCTGCCCTAATCCAGAAGTCAAACATGGGTACAAGCTCAATA-3'
Protein context (NP_001006659.1, residues 830-850): SWSGPSPQCL[Arg840Gly]SPPVTRCPNP

ClinVar aggregate classification (germline): Uncertain significance. Review status: criteria provided, multiple submitters, no conflicts (2 of 4 stars). 2 submissions from 2 submitters: Uncertain significance (2). Last evaluated 2025-04-21.

Conditions:
Inborn genetic diseases. Identifiers: MedGen C0950123, MeSH D030342.
Immunodeficiency, common variable, 7. Identifiers: Orphanet 1572, Orphanet 696894, MedGen C3542922, MONDO:0013862, OMIM 614699.

Allele frequency attached by ClinVar (database versions not stated): TOPMed 0.00001.
gnomAD v4.1: 26 of 1,613,982 alleles (0.0016%); highest among the groups gnomAD compares: Non-Finnish European, 0.0021%; no homozygotes.

Submissions (2):

Ambry Genetics
Classification: Uncertain significance for Inborn genetic diseases. Last evaluated: 2025-04-21. Review status: criteria provided, single submitter. Criteria: Ambry Variant Classification Scheme 2023. Collection method: clinical testing. Allele origin: germline.

Labcorp Genetics (formerly Invitae), Labcorp
Classification: Uncertain significance for Immunodeficiency, common variable, 7. Last evaluated: 2022-03-03. Review status: criteria provided, single submitter. Criteria: Invitae Variant Classification Sherloc (09022015). Collection method: clinical testing. Allele origin: germline.
Comment: Algorithms developed to predict the effect of sequence changes on RNA splicing suggest that this variant may create or strengthen a splice site. Algorithms developed to predict the effect of missense changes on protein structure and function (SIFT, PolyPhen-2, Align-GVGD) all suggest that this variant is likely to be tolerated. ClinVar contains an entry for this variant (Variation ID: 957001). This variant has not been reported in the literature in individuals affected with CR2-related conditions. This variant is present in population databases (no rsID available, gnomAD 0.0009%). This sequence change replaces arginine, which is basic and polar, with glycine, which is neutral and non-polar, at codon 840 of the CR2 protein (p.Arg840Gly). In summary, the available evidence is currently insufficient to determine the role of this variant in disease. Therefore, it has been classified as a Variant of Uncertain Significance.